The following is an entry in ClinVar:

ClinVar aggregate classification (germline): Uncertain significance (1 of 4 stars; one submission).

Conditions:
Charcot-Marie-Tooth disease type 4. Also called: Charcot-Marie-Tooth disease, type IV; Charcot-Marie-Tooth, Type 4. Identifiers: Orphanet 64749, MedGen C4082197, MONDO:0018995.

Submission:

Labcorp Genetics (formerly Invitae), Labcorp
Classification: Uncertain significance for Charcot-Marie-Tooth disease type 4. Last evaluated: 2022-07-30. Review status: criteria provided, single submitter. Criteria: Invitae Variant Classification Sherloc (09022015). Collection method: clinical testing. Allele origin: germline.
Comment: In summary, the available evidence is currently insufficient to determine the role of this variant in disease. Therefore, it has been classified as a Variant of Uncertain Significance. This variant has not been reported in the literature in individuals affected with PRX-related conditions. This variant is not present in population databases (gnomAD no frequency). This variant, c.4217_4218insTGATGCAGCCCCCAAGTCCCCCGTCAGAGAGAA, results in the insertion of 11 amino acid(s) of the PRX protein (p.Glu1405_Lys1406insAsnAspAlaAlaProLysSerProValArgGlu), but otherwise preserves the integrity of the reading frame.

NM_181882.3(PRX):c.4217_4218insTGATGCAGCCCCCAAGTCCCCCGTCAGAGAGAA (p.Glu1405_Lys1406insAsnAspAlaAlaProLysSerProValArgGlu)

Gene: PRX (periaxin; minus strand). Cytogenetic location: 19q13.2.
Variant type: Insertion.
Coding change: c.4217_4218insTGATGCAGCCCCCAAGTCCCCCGTCAGAGAGAA on transcript NM_181882.3 (MANE Select); coding-DNA positions 4217 to 4218, TGATGCAGCCCCCAAGTCCCCCGTCAGAGAGAA inserted.
Protein change: p.Glu1405_Lys1406insAsnAspAlaAlaProLysSerProValArgGlu.
Molecular consequence: inframe insertion. On other transcripts: inframe indel (1), 3 prime UTR variant (1).
Genome position: GRCh38: chr19:40,394,166-40,394,167. GRCh37 (hg19): chr19:40,900,073-40,900,074.
Other names: c.4470_4471insGATGCAGCCCCCAAGTCCCCCGTCAGAGAGAAT, p.Glu1500_Lys1501insAsnAspAlaAlaProLysSerProValArgGlu (NM_001411127.1); c.*4422_*4423insTGATGCAGCCCCCAAGTCCCCCGTCAGAGAGAA (NM_020956.2).
Identifiers: ClinVar variation 2020666 (VCV002020666.4), dbSNP rs2514797066, ClinGen allele CA2580097252.